The following is an entry in ClinVar:

ClinVar aggregate classification (germline): Uncertain significance. Review status: criteria provided, multiple submitters, no conflicts (2 of 4 stars). 5 submissions from 5 submitters: Uncertain significance (5). Last evaluated 2025-10-24.

Conditions:
Ataxia-pancytopenia syndrome (ATXPC). Also called: SAMD9L Ataxia-Pancytopenia Syndrome; SAMD9L-Related Syndrome. Identifiers: Orphanet 2585, MedGen C1327919, MONDO:0008038, OMIM 159550.
SAMD9L-related disorder. Also called: SAMD9L-related disorders; SAMD9L-related condition.
Inborn genetic diseases. Identifiers: MedGen C0950123, MeSH D030342.

Allele frequency attached by ClinVar (database versions not stated): ExAC 0.00001; gnomAD 0.00002; TOPMed 0.00003.
gnomAD v4.1: 142 of 1,613,222 alleles (0.0088%); highest among the groups gnomAD compares: Non-Finnish European, 0.012%; no homozygotes.

Submissions (5):

Labcorp Genetics (formerly Invitae), Labcorp
Classification: Uncertain significance. Last evaluated: 2025-10-24. Review status: criteria provided, single submitter. Criteria: Invitae Variant Classification Sherloc (09022015). Collection method: clinical testing. Allele origin: germline.
Comment: This sequence change replaces leucine, which is neutral and non-polar, with arginine, which is basic and polar, at codon 560 of the SAMD9L protein (p.Leu560Arg). This variant is present in population databases (rs745399870, gnomAD 0.004%). This variant has not been reported in the literature in individuals affected with SAMD9L-related conditions. ClinVar contains an entry for this variant (Variation ID: 1710935). Invitae Evidence Modeling of protein sequence and biophysical properties (such as structural, functional, and spatial information, amino acid conservation, physicochemical variation, residue mobility, and thermodynamic stability) has been performed for this missense variant. However, the output from this modeling did not meet the statistical confidence thresholds required to predict the impact of this variant on SAMD9L protein function. In summary, the available evidence is currently insufficient to determine the role of this variant in disease. Therefore, it has been classified as a Variant of Uncertain Significance.

Ambry Genetics
Classification: Uncertain significance for Inborn genetic diseases. Last evaluated: 2025-01-21. Review status: criteria provided, single submitter. Criteria: Ambry Variant Classification Scheme 2023. Collection method: clinical testing. Allele origin: germline.

Women's Health and Genetics/Laboratory Corporation of America, LabCorp
Classification: Uncertain significance. Last evaluated: 2024-05-21. Review status: criteria provided, single submitter. Criteria: LabCorp Variant Classification Summary - May 2015. Collection method: clinical testing. Allele origin: germline.
Comment: Variant summary: SAMD9L c.1679T>G (p.Leu560Arg) results in a non-conservative amino acid change in the encoded protein sequence. Four of five in-silico tools predict a damaging effect of the variant on protein function. The variant allele was found at a frequency of 1.2e-05 in 249354 control chromosomes. The available data on variant occurrences in the general population are insufficient to allow any conclusion about variant significance. To our knowledge, no occurrence of c.1679T>G in individuals affected with SAMD9L-Related Disorders and no experimental evidence demonstrating its impact on protein function have been reported. ClinVar contains an entry for this variant (Variation ID: 1710935). Based on the evidence outlined above, the variant was classified as uncertain significance.

PreventionGenetics, part of Exact Sciences
Classification: Uncertain significance for SAMD9L-related condition. Last evaluated: 2023-05-17. Review status: criteria provided, single submitter. Criteria: ACMG Guidelines, 2015. Collection method: clinical testing. Allele origin: germline.
Comment: The SAMD9L c.1679T>G variant is predicted to result in the amino acid substitution p.Leu560Arg. To our knowledge, this variant has not been reported in the literature. This variant is reported in 0.0031% of alleles in individuals of European (Non-Finnish) descent in gnomAD. At this time, the clinical significance of this variant is uncertain due to the absence of conclusive functional and genetic evidence.

St. Jude Molecular Pathology, St. Jude Children's Research Hospital
Classification: Uncertain significance for Ataxia-pancytopenia syndrome. Last evaluated: 2022-08-23. Review status: criteria provided, single submitter. Criteria: St. Jude Assertion Criteria 2020. Collection method: clinical testing. Allele origin: germline.
Comment: The SAMD9L c.1679T>G (p.Leu560Arg) missense change has a maximum subpopulation frequency of 0.0031% in gnomAD v2.1.1. The in silico tool REVEL is inconclusive about a pathogenic or benign effect of this variant on protein function, and to our knowledge functional studies have not been performed. However, in silico predictions have not been found to correlate with syndromic risk and are thus not considered supporting evidence of a pathogenic or benign effect (PMID: 34621053). To our knowledge, this variant has not been reported in individuals with ataxia-pancytopenia syndrome. In summary, the evidence currently available is insufficient to determine the clinical significance of this variant. It has therefore been classified as of uncertain significance.

NM_152703.5(SAMD9L):c.1679T>G (p.Leu560Arg)

Gene: SAMD9L (sterile alpha motif domain containing 9 like; minus strand). Cytogenetic location: 7q21.2.
Variant type: single nucleotide variant.
Coding change: c.1679T>G on transcript NM_152703.5 (MANE Select); coding-DNA position 1679, T replaced by G.
Protein change: p.Leu560Arg; replaces leucine 560 with arginine.
Molecular consequence: missense variant.
Genome position (GRCh38, 1-based): chr7:93,134,293, A>C on the plus strand (T>G on the coding strand, the complement: SAMD9L is on the minus strand). VCF-style: chr7-93134293-A-C. GRCh37 (hg19) VCF-style: chr7-92763606-A-C.
Other names: c.1679T>G, p.Leu560Arg (NM_001303496.3, NM_001303497.3, NM_001303498.3 and 5 more transcripts); c.1679T>G (NM_152703.2); short protein forms L560R.
Identifiers: ClinVar variation 1710935 (VCV001710935.8), dbSNP rs745399870, ClinGen allele CA4343699.